The following is an entry in ClinVar:

ClinVar aggregate classification (germline): Likely benign. Review status: criteria provided, multiple submitters, no conflicts (2 of 4 stars). 3 submissions from 3 submitters: Likely benign (3). Last evaluated 2024-10-03.

Conditions:
Familial cancer of breast. Also called: BREAST CANCER, FAMILIAL; Hereditary breast cancer; hereditary breast carcinoma. Identifiers: Orphanet 227535, MedGen C0346153, MONDO:0016419, OMIM 114480. Disease mechanism: loss of function.
Hereditary cancer-predisposing syndrome. Also called: Neoplastic Syndromes, Hereditary; Tumor predisposition; Hereditary neoplastic syndrome; Hereditary Cancer Syndrome. Identifiers: Orphanet 140162, MedGen C0027672, MeSH D009386, MONDO:0015356.

Submissions (3):

Myriad Genetics, Inc.
Classification: Likely benign for Familial cancer of breast. Last evaluated: 2024-10-03. Review status: criteria provided, single submitter. Criteria: Myriad Autosomal Dominant, Autosomal Recessive and X-Linked Classification Criteria (2023). Collection method: clinical testing. Allele origin: unknown.
Comment: This variant is considered likely benign. This variant is intronic and is not expected to impact mRNA splicing.

Labcorp Genetics (formerly Invitae), Labcorp
Classification: Likely benign for Familial cancer of breast. Last evaluated: 2024-07-18. Review status: criteria provided, single submitter. Criteria: Invitae Variant Classification Sherloc (09022015). Collection method: clinical testing. Allele origin: germline.

Color Diagnostics, LLC DBA Color Health
Classification: Likely benign for Hereditary cancer-predisposing syndrome. Last evaluated: 2018-06-20. Review status: criteria provided, single submitter. Criteria: ACMG Guidelines, 2015. Collection method: clinical testing. Allele origin: germline.

NM_007194.4(CHEK2):c.593-18T>C

Gene: CHEK2 (checkpoint kinase 2; minus strand). Cytogenetic location: 22q12.1.
Variant type: single nucleotide variant.
Coding change: c.593-18T>C on transcript NM_007194.4 (MANE Select); 18 bases into the intron before coding-DNA position 593, T replaced by C.
Molecular consequence: intron variant.
Genome position (GRCh38, 1-based): chr22:28,719,503, A>G on the plus strand (T>C on the coding strand, the complement: CHEK2 is on the minus strand). VCF-style: chr22-28719503-A-G. GRCh37 (hg19) VCF-style: chr22-29115491-A-G.
Other names: c.-71-18T>C (NM_001437942.1, NM_001257387.3); c.482+5383T>C (NM_001349956.3); c.593-18T>C (NM_145862.3); c.686-18T>C (NM_001438295.1, NM_001438293.1); c.722-18T>C (NM_001438294.1, NM_001005735.3).
Identifiers: ClinVar variation 628705 (VCV000628705.12), dbSNP rs1569150284, ClinGen allele CA913189026.